The following is an entry in ClinVar:

NM_020821.3(VPS13C):c.7378C>T (p.Gln2460Ter)

Gene: VPS13C (vacuolar protein sorting 13 homolog C; minus strand). Cytogenetic location: 15q22.2.
Variant type: single nucleotide variant.
Coding change: c.7378C>T on transcript NM_020821.3 (MANE Select); coding-DNA position 7378, C replaced by T.
Protein change: p.Gln2460Ter; replaces glutamine 2460 with a stop codon.
Molecular consequence: nonsense.
Genome position (GRCh38, 1-based): chr15:61,920,166, G>A on the plus strand (C>T on the coding strand, the complement: VPS13C is on the minus strand). VCF-style: chr15-61920166-G-A. GRCh37 (hg19) VCF-style: chr15-62212365-G-A.
Other names: c.7378C>T, p.Gln2460Ter (NM_001018088.3); c.7249C>T, p.Gln2417Ter (NM_017684.5, NM_018080.4); short protein forms Q2417*, Q2460*.
Identifiers: ClinVar variation 2633726 (VCV002633726.1), dbSNP rs1334809949, ClinGen allele CA392683973.

ClinVar aggregate classification (germline): Likely pathogenic (1 of 4 stars; one submission).

Conditions:
VPS13C-related disorder. Also called: VPS13C-related condition.

Allele frequency attached by ClinVar (database versions not stated): gnomAD 0.00001; gnomAD exomes 0.00001; TOPMed 0.00001.
gnomAD v4.1: 4 of 1,613,380 alleles (0.00025%); highest among the groups gnomAD compares: Non-Finnish European, 0.00034%; no homozygotes.

Submission:

PreventionGenetics, part of Exact Sciences
Classification: Likely pathogenic for VPS13C-related condition. Last evaluated: 2023-03-21. Review status: criteria provided, single submitter. Criteria: ACMG Guidelines, 2015. Collection method: clinical testing. Allele origin: germline.
Comment: The VPS13C c.7378C>T variant is predicted to result in premature protein termination (p.Gln2460*). To our knowledge, this variant has not been reported in the literature or in a large population database, indicating this variant is rare. Nonsense variants in VPS13C are expected to be pathogenic. This variant is interpreted as likely pathogenic.